The following is an entry in ClinVar:

ClinVar aggregate classification (germline): Uncertain significance (1 of 4 stars; one submission).

gnomAD v4.1: 10 of 1,611,726 alleles (0.00062%); highest among the groups gnomAD compares: Non-Finnish European, 0.00085%; no homozygotes.

Submission:

GeneDx
Classification: Uncertain significance. Last evaluated: 2025-01-22. Review status: criteria provided, single submitter. Criteria: GeneDx Variant Classification Process June 2021. Collection method: clinical testing. Allele origin: germline. Affected: yes.
Comment: Not observed at significant frequency in large population cohorts (gnomAD); In silico analysis indicates that this missense variant does not alter protein structure/function; Has not been previously published as pathogenic or benign to our knowledge; Reported using an alternate transcript of the gene

NM_170707.4(LMNA):c.357-3790A>G

Gene: LMNA (lamin A/C; plus strand). Cytogenetic location: 1q22.
Variant type: single nucleotide variant.
Coding change: c.357-3790A>G on transcript NM_170707.4 (MANE Select); 3790 bases into the intron before coding-DNA position 357, A replaced by G.
Molecular consequence: intron variant. On other transcripts: missense variant (3), 5 prime UTR variant (2).
Genome position (GRCh38, 1-based): chr1:156,126,827, A>G. VCF-style: chr1-156126827-A-G. GRCh37 (hg19) VCF-style: chr1-156096618-A-G.
Other names: c.25A>G, p.Asn9Asp (NM_001282624.2, NM_001406986.1, NM_001406987.1); c.-325A>G (NM_001406996.1); c.-397A>G (NM_001406999.1); c.357-3790A>G (NM_001406983.1, NM_001282625.2, NM_001406984.1 and 6 more transcripts); c.-45-7576A>G (NM_001407002.1, NM_001406995.1, NM_001406990.1); c.-202-3790A>G (NM_001406993.1, NM_001407003.1); c.-308-3790A>G (NM_001407000.1, NM_001406994.1); c.-151-7576A>G (NM_001407001.1); and 3 more; short protein forms N9D.
Identifiers: ClinVar variation 4071710 (VCV004071710.1).